The following is an entry in ClinVar:

ClinVar aggregate classification (germline): Uncertain significance (1 of 4 stars; one submission).

Allele frequency attached by ClinVar (database versions not stated): ExAC 0.00001; gnomAD 0.00001; 1000 Genomes Project 30x 0.00016; 1000 Genomes Project 0.00020.
gnomAD v4.1: 8 of 1,614,124 alleles (0.0005%); highest among the groups gnomAD compares: East Asian, 0.0067%; no homozygotes.

Submission:

Labcorp Genetics (formerly Invitae), Labcorp
Classification: Uncertain significance. Last evaluated: 2022-03-25. Review status: criteria provided, single submitter. Criteria: Invitae Variant Classification Sherloc (09022015). Collection method: clinical testing. Allele origin: germline.
Comment: This sequence change replaces valine, which is neutral and non-polar, with phenylalanine, which is neutral and non-polar, at codon 168 of the COL7A1 protein (p.Val168Phe). This variant is present in population databases (rs562413402, gnomAD 0.006%). This variant has not been reported in the literature in individuals affected with COL7A1-related conditions. Advanced modeling of protein sequence and biophysical properties (such as structural, functional, and spatial information, amino acid conservation, physicochemical variation, residue mobility, and thermodynamic stability) performed at Invitae indicates that this missense variant is expected to disrupt COL7A1 protein function. In summary, the available evidence is currently insufficient to determine the role of this variant in disease. Therefore, it has been classified as a Variant of Uncertain Significance.

NM_000094.4(COL7A1):c.502G>T (p.Val168Phe)

Gene: COL7A1 (collagen type VII alpha 1 chain; minus strand). Cytogenetic location: 3p21.31.
Variant type: single nucleotide variant.
Coding change: c.502G>T on transcript NM_000094.4 (MANE Select); coding-DNA position 502, G replaced by T.
Protein change: p.Val168Phe; replaces valine 168 with phenylalanine.
Molecular consequence: missense variant.
Genome position (GRCh38, 1-based): chr3:48,593,374, C>A on the plus strand (G>T on the coding strand, the complement: COL7A1 is on the minus strand). VCF-style: chr3-48593374-C-A. GRCh37 (hg19) VCF-style: chr3-48630807-C-A.
Other names: short protein forms V168F.
Identifiers: ClinVar variation 1942893 (VCV001942893.2), dbSNP rs562413402, ClinGen allele CA2381532.
Genomic context (GRCh38, chr3:48,593,374, plus strand): 5'-CCCCACCCCCCAGCTGACCTGTCACTCCTGCTCGGTCCTTACCCACAGCAAATAGCTTGA[C>A]CCCCTGCCCCTTCAGCCTTTGGGCAGCTGTGTCCACCAGGTCCTGGGACTTCCCGTCTGT-3'
Protein context (NP_000085.1, residues 158-178): TAAQRLKGQG[Val168Phe]KLFAVGIKNA